The following is an entry in ClinVar:

NM_018180.3(DHX32):c.65T>C (p.Leu22Pro)

Gene: DHX32 (DEAH-box helicase 32 (putative); minus strand). Cytogenetic location: 10q26.2.
Variant type: single nucleotide variant.
Coding change: c.65T>C on transcript NM_018180.3 (MANE Select); coding-DNA position 65, T replaced by C.
Protein change: p.Leu22Pro; replaces leucine 22 with proline.
Molecular consequence: missense variant.
Genome position (GRCh38, 1-based): chr10:125,880,760, A>G on the plus strand (T>C on the coding strand, the complement: DHX32 is on the minus strand). VCF-style: chr10-125880760-A-G. GRCh37 (hg19) VCF-style: chr10-127569329-A-G.
Other names: short protein forms L22P.
Identifiers: ClinVar variation 2085317 (VCV002085317.4), dbSNP rs143353901, ClinGen allele CA5739532.
Genomic context (GRCh38, chr10:125,880,760, plus strand): 5'-GGGTTAAGTTCCAAATCCTCACAGGCCAAAACCTCTTCCTCATCCCCATCGCTGGAATCC[A>G]GGGATTCAGGAAAATAGCGTTTTTCAGAGGAAGAGTTTGGACACTCCAGCCCTTCTTCTT-3'
Protein context (NP_060650.2, residues 12-32): SSEKRYFPES[Leu22Pro]DSSDGDEEEV

ClinVar aggregate classification (germline): Uncertain significance (1 of 4 stars; one submission).

Allele frequency attached by ClinVar (database versions not stated): ExAC 0.00001; gnomAD exomes 0.00001; TOPMed 0.00002; ESP Exome Variant Server 0.00015.
gnomAD v4.1: 16 of 1,614,094 alleles (0.00099%); highest among the groups gnomAD compares: African/African-American, 0.004%; no homozygotes.

Submission:

Labcorp Genetics (formerly Invitae), Labcorp
Classification: Uncertain significance. Last evaluated: 2022-04-17. Review status: criteria provided, single submitter. Criteria: Invitae Variant Classification Sherloc (09022015). Collection method: clinical testing. Allele origin: germline.
Comment: In summary, the available evidence is currently insufficient to determine the role of this variant in disease. Therefore, it has been classified as a Variant of Uncertain Significance. This sequence change replaces leucine, which is neutral and non-polar, with proline, which is neutral and non-polar, at codon 22 of the DHX32 protein (p.Leu22Pro). This variant is present in population databases (rs143353901, gnomAD 0.007%). This variant has not been reported in the literature in individuals affected with DHX32-related conditions. Algorithms developed to predict the effect of missense changes on protein structure and function are either unavailable or do not agree on the potential impact of this missense change (SIFT: "Deleterious"; PolyPhen-2: "Probably Damaging"; Align-GVGD: "Class C0").